The following is an entry in ClinVar:

NM_001171.6(ABCC6):c.4208+8C>T

Gene: ABCC6 (ATP binding cassette subfamily C member 6; minus strand). Cytogenetic location: 16p13.11.
Variant type: single nucleotide variant.
Coding change: c.4208+8C>T on transcript NM_001171.6 (MANE Select); 8 bases into the intron after coding-DNA position 4208, C replaced by T.
Molecular consequence: intron variant.
Genome position (GRCh38, 1-based): chr16:16,154,620, G>A on the plus strand (C>T on the coding strand, the complement: ABCC6 is on the minus strand). VCF-style: chr16-16154620-G-A. GRCh37 (hg19) VCF-style: chr16-16248477-G-A.
Other names: c.3866+8C>T (NM_001351800.1).
Identifiers: ClinVar variation 733616 (VCV000733616.40), dbSNP rs56688069, ClinGen allele CA7925284.

ClinVar aggregate classification (germline): Benign/Likely benign. Review status: criteria provided, multiple submitters, no conflicts (2 of 4 stars). 3 submissions from 3 submitters: Benign (1); Likely benign (2). Last evaluated 2026-01-26.

Allele frequency attached by ClinVar (database versions not stated): gnomAD exomes 0.00019 and 0.00041; TOPMed 0.00079; ExAC 0.00052; gnomAD 0.00068; ESP Exome Variant Server 0.00085; 1000 Genomes Project 30x 0.00094; 1000 Genomes Project 0.00100.
gnomAD v4.1: 385 of 1,611,636 alleles (0.024%); highest among the groups gnomAD compares: African/African-American, 0.22%; 5 homozygotes.

Submissions (3):

Labcorp Genetics (formerly Invitae), Labcorp
Classification: Benign. Last evaluated: 2026-01-26. Review status: criteria provided, single submitter. Criteria: Invitae Variant Classification Sherloc (09022015). Collection method: clinical testing. Allele origin: germline.

Blueprint Genetics
Classification: Likely benign. Last evaluated: 2024-11-12. Review status: criteria provided, single submitter. Criteria: ACMG Guidelines, 2015. Collection method: clinical testing. Allele origin: germline.

CeGaT Center for Human Genetics Tuebingen
Classification: Likely benign. Last evaluated: 2022-11-01. Review status: criteria provided, single submitter. Criteria: CeGaT Center For Human Genetics Tuebingen Variant Classification Criteria Version 2. Collection method: clinical testing. Allele origin: germline. Affected: yes. Observed: 1 variant allele.
Comment: ABCC6: BP4